The following is an entry in ClinVar:

NM_001365951.3(KIF1B):c.2230T>C (p.Phe744Leu)

Gene: KIF1B (kinesin family member 1B; plus strand). Cytogenetic location: 1p36.22.
Variant type: single nucleotide variant.
Coding change: c.2230T>C on transcript NM_001365951.3 (MANE Select); coding-DNA position 2230, T replaced by C.
Protein change: p.Phe744Leu; replaces phenylalanine 744 with leucine.
Molecular consequence: missense variant.
Genome position (GRCh38, 1-based): chr1:10,321,729, T>C. VCF-style: chr1-10321729-T-C. GRCh37 (hg19) VCF-style: chr1-10381787-T-C.
Other names: c.2230T>C, p.Phe744Leu (NM_001365952.1); c.2092T>C, p.Phe698Leu (NM_015074.3); short protein forms F698L, F744L.
Identifiers: ClinVar variation 3288380 (VCV003288380.1).

ClinVar aggregate classification (germline): Uncertain significance (1 of 4 stars; one submission).

Submission:

Ambry Genetics
Classification: Uncertain significance. Last evaluated: 2024-05-04. Review status: criteria provided, single submitter. Criteria: Ambry Variant Classification Scheme 2023. Collection method: clinical testing. Allele origin: germline.
Comment: The p.F698L variant (also known as c.2092T>C), located in coding exon 21 of the KIF1B gene, results from a T to C substitution at nucleotide position 2092. The phenylalanine at codon 698 is replaced by leucine, an amino acid with highly similar properties. This amino acid position is conserved. In addition, this alteration is predicted to be tolerated by in silico analysis. Based on the available evidence, the clinical significance of this variant remains unclear.